The following is an entry in ClinVar:

ClinVar aggregate classification (germline): Likely benign. Review status: criteria provided, single submitter (1 of 4 stars). 2 submissions from 1 submitter: Likely benign (2). Last evaluated 2018-01-13.

Conditions:
Arterial calcification, generalized, of infancy, 1 (GACI1). Also called: Idiopathic Infantile Arterial Calcification. Identifiers: Orphanet 51608, MedGen C4551985, MONDO:0008817, OMIM 208000.
Hypophosphatemic rickets, autosomal recessive, 2 (ARHR2). Identifiers: Orphanet 289176, MedGen C2750078, MONDO:0013219, OMIM 613312.

Allele frequency attached by ClinVar (database versions not stated): 1000 Genomes Project 0.00359; 1000 Genomes Project 30x 0.00375; TOPMed 0.00920; gnomAD 0.01036 and 0.01090.

Submissions (2):

Illumina Laboratory Services, Illumina
Classification: Likely benign for Arterial calcification, generalized, of infancy, 1. Last evaluated: 2018-01-13. Review status: criteria provided, single submitter. Criteria: ICSL Variant Classification Criteria 13 December 2019. Collection method: clinical testing. Allele origin: germline.
Comment: This variant was observed in the ICSL laboratory as part of a predisposition screen in an ostensibly healthy population. It had not been previously curated by ICSL or reported in the Human Gene Mutation Database (HGMD: prior to June 1st, 2018), and was therefore a candidate for classification through an automated scoring system. Utilizing variant allele frequency, disease prevalence and penetrance estimates, and inheritance mode, an automated score was calculated to assess if this variant is too frequent to cause the disease. Based on the score and internal cut-off values, a variant classified as likely benign is not then subjected to further curation. The score for this variant resulted in a classification of likely benign for this disease.

Illumina Laboratory Services, Illumina
Classification: Likely benign for Hypophosphatemic rickets, autosomal recessive, 2. Last evaluated: 2018-01-13. Review status: criteria provided, single submitter. Criteria: ICSL Variant Classification Criteria 13 December 2019. Collection method: clinical testing. Allele origin: germline.
Comment: the same text as in the submission from Illumina Laboratory Services, Illumina above.

NM_006208.3(ENPP1):c.*2076C>T

Gene: ENPP1 (ectonucleotide pyrophosphatase/phosphodiesterase 1; plus strand). Cytogenetic location: 6q23.2.
Variant type: single nucleotide variant.
Coding change: c.*2076C>T on transcript NM_006208.3 (MANE Select); 2076 bases downstream of the stop codon, C replaced by T.
Molecular consequence: 3 prime UTR variant.
Genome position (GRCh38, 1-based): chr6:131,892,587, C>T. VCF-style: chr6-131892587-C-T. GRCh37 (hg19) VCF-style: chr6-132213727-C-T.
Identifiers: ClinVar variation 355400 (VCV000355400.5), dbSNP rs117531639, ClinGen allele CA10625973.